The following is an entry in ClinVar:

NC_012920.1(MT-TW):m.5549G>A

Gene: MT-TW (mitochondrially encoded tRNA tryptophan; plus strand).
Variant type: single nucleotide variant.
Genome position: chrM-5549-G-A.
Other names: 5549G-A.
Identifiers: ClinVar variation 9554 (VCV000009554.3), dbSNP rs199474671, ClinGen allele CA120540.

ClinVar aggregate classification (germline): Uncertain significance. Review status: reviewed by expert panel (3 of 4 stars). 2 submissions from 2 submitters: Uncertain significance (1). 1 of the submissions does not count toward it. Last evaluated 2024-04-23.

Conditions:
Mitochondrial disease. Also called: Mitochondrial disorder; Mitochondrial disorders. Identifiers: Orphanet 68380, MedGen C0751651, MeSH D028361, MONDO:0044970.
Mitochondrial encephalopathy. Identifiers: MedGen C1852373, HP:0006789.

Submissions (2):

ClinGen Mitochondrial Disease Nuclear and Mitochondrial  Variant Curation Expert Panel, ClinGen
Classification: Uncertain significance for Mitochondrial disease. Last evaluated: 2024-04-23. Review status: reviewed by expert panel. Criteria: clingen mito disease acmg specifications v1-1. Collection method: curation. Allele origin: germline. Inheritance: Mitochondrial inheritance.
Comment: The m.5549G>A variant in MT-TW has been reported in two individuals with primary mitochondrial disease to date (PMIDs: 7695240, 34276539; PS4_supporting). Brain imaging showed atrophy of the cerebrum, cerebellum, and brainstem. Muscle biopsy showed COX-negative and ragged red fibers. The variant was present at 40% heteroplasmy in blood, 83-86% in skeletal muscle, and 51-93% in organs on autopsy (liver, optic nerve, lung, heart, kidney, cerebral cortex, cerebellum). There was no mention of testing in family members. Brain imaging showed leukoencephalopathy and cerebral atrophy in addition to calcifications of the bilateral basal ganglia, thalamus, and cerebellar dentate nuclei. Muscle biopsy showed ragged blue and COX-deficient fibers. The variant was present at 5.4% heteroplasmy in blood and 61.5% in muscle. This variant is absent in the MITOMAP GenBank dataset, gnomAD v3.1.2, and the Helix dataset (PM2_supporting). The computational predictor MitoTIP suggests this variant is pathogenic (88.3 percentile) and HmtVAR predicts it to be pathogenic with a score of 0.35 (PP3). There are no cybrids, single fiber studies, or other functional assays reported on this variant. In summary, this variant meets criteria to be classified as uncertain significance for primary mitochondrial disease inherited in a mitochondrial manner. This classification was approved by the NICHD/NINDS U24 ClinGen Mitochondrial Disease Variant Curation Expert Panel on April 23, 2024. Mitochondrial DNA-specific ACMG/AMP criteria applied (PMID: 32906214): PS4_supporting, PM6_supporting, PM2_supporting, PP3.

OMIM
Classification: Pathogenic for ENCEPHALOPATHY, MITOCHONDRIAL. Last evaluated: 1995-03-01. Review status: no assertion criteria provided. Collection method: literature only. Allele origin: germline. Not counted in ClinVar's aggregate classification.

Literature cited by the submitters: PubMed 7695240 (cited by OMIM).